The following is an entry in ClinVar:

NM_001382508.1(DROSHA):c.3012T>A (p.Val1004=)

Gene: DROSHA (drosha ribonuclease III; minus strand). Cytogenetic location: 5p13.3.
Variant type: single nucleotide variant.
Coding change: c.3012T>A on transcript NM_001382508.1 (MANE Select); coding-DNA position 3012, T replaced by A.
Protein change: p.Val1004=; no amino-acid change (valine 1004 retained).
Molecular consequence: synonymous variant.
Genome position (GRCh38, 1-based): chr5:31,435,795, A>T on the plus strand (T>A on the coding strand, the complement: DROSHA is on the minus strand). VCF-style: chr5-31435795-A-T. GRCh37 (hg19) VCF-style: chr5-31435902-A-T.
Other names: c.2901T>A, p.Val967= (NM_001100412.2); c.3012T>A, p.Val1004= (NM_013235.5).
Identifiers: ClinVar variation 3060332 (VCV003060332.2), dbSNP rs909060563, ClinGen allele CA115794547.
Genomic context (GRCh38, chr5:31,435,795, plus strand): 5'-AACTACAAATGCTGCAGATGTCTTCTATACCTTTGCTAGCATGGCAAGGTGCTGATTCTG[A>T]ACAATGGCAGTCCGATAGGTTGCTAATCCTCCTTCTTCCAGACTAGGAAACAAATAGTAC-3'
Protein context (NP_001369437.1, residues 994-1014): GGLATYRTAI[Val1004=]QNQHLAMLAK

ClinVar aggregate classification (germline): Likely benign (0 of 4 stars; one submission).

Conditions:
DROSHA-related disorder. Also called: DROSHA-related condition.

Allele frequency attached by ClinVar (database versions not stated): gnomAD exomes below 0.00001; TOPMed 0.00002; gnomAD 0.00004.
gnomAD v4.1: 7 of 1,613,836 alleles (0.00043%); highest among the groups gnomAD compares: African/African-American, 0.0093%; no homozygotes.

Submission:

PreventionGenetics, part of Exact Sciences
Classification: Likely benign for DROSHA-related condition. Last evaluated: 2024-03-04. Review status: no assertion criteria provided. Collection method: clinical testing. Allele origin: germline.
Comment: This variant is classified as likely benign based on ACMG/AMP sequence variant interpretation guidelines (Richards et al. 2015 PMID: 25741868, with internal and published modifications).